The following is an entry in ClinVar:

ClinVar aggregate classification (germline): Likely benign (1 of 4 stars; one submission).

Allele frequency attached by ClinVar (database versions not stated): gnomAD exomes 0.00101; gnomAD 0.00920 and 0.00981; TOPMed 0.01068; 1000 Genomes Project 0.01278; 1000 Genomes Project 30x 0.01390.
gnomAD v4.1: 2,024 of 736,670 alleles (0.27%); highest among the groups gnomAD compares: African/African-American, 3.2%; 31 homozygotes.

Submission:

GeneDx
Classification: Likely benign. Last evaluated: 2018-06-18. Review status: criteria provided, single submitter. Criteria: GeneDx Variant Classification (06012015). Collection method: clinical testing. Allele origin: germline. Affected: yes.
Comment: This variant is considered likely benign or benign based on one or more of the following criteria: it is a conservative change, it occurs at a poorly conserved position in the protein, it is predicted to be benign by multiple in silico algorithms, and/or has population frequency not consistent with disease.

NM_001042492.3(NF1):c.6921+117A>G

Gene: NF1 (neurofibromin 1; plus strand). Cytogenetic location: 17q11.2.
Variant type: single nucleotide variant.
Coding change: c.6921+117A>G on transcript NM_001042492.3 (MANE Select); 117 bases into the intron after coding-DNA position 6921, A replaced by G.
Molecular consequence: intron variant.
Genome position (GRCh38, 1-based): chr17:31,338,922, A>G. VCF-style: chr17-31338922-A-G. GRCh37 (hg19) VCF-style: chr17-29665940-A-G.
Other names: c.6858+117A>G (NM_000267.4).
Identifiers: ClinVar variation 561477 (VCV000561477.1), dbSNP rs17881963, ClinGen allele CA289388667.